The following is an entry in ClinVar:

ClinVar aggregate classification (germline): Uncertain significance (1 of 4 stars; one submission).

Conditions:
Epidermolysis bullosa simplex with nail dystrophy (EBS5D). Identifiers: MedGen C4225309, MONDO:0014661, OMIM 616487.
Autosomal recessive limb-girdle muscular dystrophy type 2Q (LGMDR17). Also called: MUSCULAR DYSTROPHY, LIMB-GIRDLE, AUTOSOMAL RECESSIVE 17. Identifiers: Orphanet 254361, MedGen C3150989, MONDO:0013390, OMIM 613723.
Epidermolysis bullosa simplex 5C, with pyloric atresia (EBS5C). Also called: PLEC1-Related Epidermolysis Bullosa with Pyloric Atresia; PLEC-Related Epidermolysis Bullosa with Pyloric Atresia; Epidermolysis bullosa simplex with pyloric atresia. Identifiers: Orphanet 158684, MedGen C2677349, MONDO:0012807, OMIM 612138.
Epidermolysis bullosa simplex 5B, with muscular dystrophy (EBS5B). Also called: Epidermolysis bullosa simplex with muscular dystrophy; EPIDERMOLYSIS BULLOSA SIMPLEX AND LIMB-GIRDLE MUSCULAR DYSTROPHY. Identifiers: Orphanet 257, MedGen C2931072, MONDO:0009181, OMIM 226670.
Epidermolysis bullosa simplex, Ogna type (EBS5A). Also called: EPIDERMOLYSIS BULLOSA SIMPLEX 5A, OGNA TYPE; Pidermolysis bullosa simplex 5A, Ogna type. Identifiers: Orphanet 79401, MedGen C0432317, MONDO:0007555, OMIM 131950.

Submission:

Labcorp Genetics (formerly Invitae), Labcorp
Classification: Uncertain significance for Autosomal recessive limb-girdle muscular dystrophy type 2Q; Epidermolysis bullosa simplex, Ogna type; Epidermolysis bullosa simplex with nail dystrophy; Epidermolysis bullosa simplex 5C, with pyloric atresia; Epidermolysis bullosa simplex 5B, with muscular dystrophy. Last evaluated: 2023-09-20. Review status: criteria provided, single submitter. Criteria: Invitae Variant Classification Sherloc (09022015). Collection method: clinical testing. Allele origin: germline.
Comment: In summary, the available evidence is currently insufficient to determine the role of this variant in disease. Therefore, it has been classified as a Variant of Uncertain Significance. An algorithm developed to predict the effect of missense changes on protein structure and function (PolyPhen-2) suggests that this variant is likely to be disruptive. This variant has not been reported in the literature in individuals affected with PLEC-related conditions. This variant is not present in population databases (gnomAD no frequency). This sequence change replaces arginine, which is basic and polar, with glycine, which is neutral and non-polar, at codon 2279 of the PLEC protein (p.Arg2279Gly).

NM_201384.3(PLEC):c.6754C>G (p.Arg2252Gly)

Gene: PLEC (plectin; minus strand). Cytogenetic location: 8q24.3.
Variant type: single nucleotide variant.
Coding change: c.6754C>G on transcript NM_201384.3 (MANE Select); coding-DNA position 6754, C replaced by G.
Protein change: p.Arg2252Gly; replaces arginine 2252 with glycine.
Molecular consequence: missense variant. On other transcripts: intron variant (1).
Genome position (GRCh38, 1-based): chr8:143,923,175, G>C on the plus strand (C>G on the coding strand, the complement: PLEC is on the minus strand). VCF-style: chr8-143923175-G-C. GRCh37 (hg19) VCF-style: chr8-144997343-G-C.
Other names: c.6835C>G, p.Arg2279Gly (NM_000445.5); c.6712C>G, p.Arg2238Gly (NM_201378.4); c.6688C>G, p.Arg2230Gly (NM_201379.3); c.7165C>G, p.Arg2389Gly (NM_201380.4); c.6658C>G, p.Arg2220Gly (NM_201381.3); c.6754C>G, p.Arg2252Gly (NM_201382.4); c.6766C>G, p.Arg2256Gly (NM_201383.3); c.4126-780C>G (NM_001410941.1); short protein forms R2252G, R2256G, R2279G, R2238G, R2220G, R2230G, R2389G.
Identifiers: ClinVar variation 2952086 (VCV002952086.3), dbSNP rs782530517, ClinGen allele CA372532704.